The following is an entry in ClinVar:

ClinVar aggregate classification (germline): Conflicting classifications of pathogenicity. Review status: criteria provided, conflicting classifications (1 of 4 stars). 2 submissions from 2 submitters: Uncertain significance (1); Likely benign (1). Last evaluated 2025-08-20.

Conditions:
Inborn genetic diseases. Identifiers: MedGen C0950123, MeSH D030342.

Submissions (2):

Ambry Genetics
Classification: Likely benign for Inborn genetic diseases. Last evaluated: 2025-08-20. Review status: criteria provided, single submitter. Criteria: Ambry Variant Classification Scheme 2023. Collection method: clinical testing. Allele origin: germline.

Labcorp Genetics (formerly Invitae), Labcorp
Classification: Uncertain significance. Last evaluated: 2022-08-16. Review status: criteria provided, single submitter. Criteria: Invitae Variant Classification Sherloc (09022015). Collection method: clinical testing. Allele origin: germline.
Comment: In summary, the available evidence is currently insufficient to determine the role of this variant in disease. Therefore, it has been classified as a Variant of Uncertain Significance. Advanced modeling of protein sequence and biophysical properties (such as structural, functional, and spatial information, amino acid conservation, physicochemical variation, residue mobility, and thermodynamic stability) performed at Invitae indicates that this missense variant is not expected to disrupt DARS2 protein function. This variant has not been reported in the literature in individuals affected with DARS2-related conditions. This variant is not present in population databases (gnomAD no frequency). This sequence change replaces alanine, which is neutral and non-polar, with serine, which is neutral and polar, at codon 151 of the DARS2 protein (p.Ala151Ser).

NM_018122.5(DARS2):c.451G>T (p.Ala151Ser)

Gene: DARS2 (aspartyl-tRNA synthetase 2, mitochondrial; plus strand). Cytogenetic location: 1q25.1.
Variant type: single nucleotide variant.
Coding change: c.451G>T on transcript NM_018122.5 (MANE Select); coding-DNA position 451, G replaced by T.
Protein change: p.Ala151Ser; replaces alanine 151 with serine.
Molecular consequence: missense variant.
Genome position (GRCh38, 1-based): chr1:173,831,589, G>T. VCF-style: chr1-173831589-G-T. GRCh37 (hg19) VCF-style: chr1-173800727-G-T.
Other names: c.451G>T (NM_018122.4); c.451G>T, p.Ala151Ser (NM_001365212.1, NM_001365213.2); short protein forms A151S.
Identifiers: ClinVar variation 2076771 (VCV002076771.5), dbSNP rs2525849428, ClinGen allele CA343759218.